The following is an entry in ClinVar:

ClinVar aggregate classification (germline): Uncertain significance (1 of 4 stars; one submission).

Conditions:
Ulnar-mammary syndrome (UMS). Also called: PALLISTER ULNAR-MAMMARY SYNDROME; Ulnar-mammary syndrome of Pallister; SCHINZEL SYNDROME. Identifiers: Orphanet 3138, MedGen C1866994, MONDO:0008411, OMIM 181450.

Submission:

Labcorp Genetics (formerly Invitae), Labcorp
Classification: Uncertain significance for Ulnar-mammary syndrome. Last evaluated: 2022-09-17. Review status: criteria provided, single submitter. Criteria: Invitae Variant Classification Sherloc (09022015). Collection method: clinical testing. Allele origin: germline.
Comment: This sequence change replaces methionine, which is neutral and non-polar, with valine, which is neutral and non-polar, at codon 153 of the TBX3 protein (p.Met153Val). This variant is not present in population databases (gnomAD no frequency). This variant has not been reported in the literature in individuals affected with TBX3-related conditions. Algorithms developed to predict the effect of missense changes on protein structure and function are either unavailable or do not agree on the potential impact of this missense change (SIFT: "Deleterious"; PolyPhen-2: "Possibly Damaging"; Align-GVGD: "Class C0"). In summary, the available evidence is currently insufficient to determine the role of this variant in disease. Therefore, it has been classified as a Variant of Uncertain Significance.

NM_005996.4(TBX3):c.457A>G (p.Met153Val)

Gene: TBX3 (T-box transcription factor 3; minus strand). Cytogenetic location: 12q24.21.
Variant type: single nucleotide variant.
Coding change: c.457A>G on transcript NM_005996.4 (MANE Select); coding-DNA position 457, A replaced by G.
Protein change: p.Met153Val; replaces methionine 153 with valine.
Molecular consequence: missense variant.
Genome position (GRCh38, 1-based): chr12:114,681,079, T>C on the plus strand (A>G on the coding strand, the complement: TBX3 is on the minus strand). VCF-style: chr12-114681079-T-C. GRCh37 (hg19) VCF-style: chr12-115118884-T-C.
Other names: c.457A>G, p.Met153Val (NM_016569.4); short protein forms M153V.
Identifiers: ClinVar variation 1929222 (VCV001929222.5), dbSNP rs1868907183, ClinGen allele CA386871817.